The following is an entry in ClinVar:

NM_003922.4(HERC1):c.11188G>C (p.Gly3730Arg)

Gene: HERC1 (HECT and RLD domain containing E3 ubiquitin protein ligase family member 1; minus strand). Cytogenetic location: 15q22.31.
Variant type: single nucleotide variant.
Coding change: c.11188G>C on transcript NM_003922.4 (MANE Select); coding-DNA position 11188, G replaced by C.
Protein change: p.Gly3730Arg; replaces glycine 3730 with arginine.
Molecular consequence: missense variant.
Genome position (GRCh38, 1-based): chr15:63,643,547, C>G on the plus strand (G>C on the coding strand, the complement: HERC1 is on the minus strand). VCF-style: chr15-63643547-C-G. GRCh37 (hg19) VCF-style: chr15-63935746-C-G.
Other names: short protein forms G3730R.
Identifiers: ClinVar variation 3572698 (VCV003572698.1).

ClinVar aggregate classification (germline): Uncertain significance (1 of 4 stars; one submission).

Submission:

GeneDx
Classification: Uncertain significance. Last evaluated: 2024-07-08. Review status: criteria provided, single submitter. Criteria: GeneDx Variant Classification Process June 2021. Collection method: clinical testing. Allele origin: germline. Affected: yes.
Comment: Not observed at significant frequency in large population cohorts (gnomAD); In silico analysis indicates that this missense variant does not alter protein structure/function; Has not been previously published as pathogenic or benign to our knowledge